The following is an entry in ClinVar:

NM_001006658.3(CR2):c.3092C>T (p.Ser1031Leu)

Gene: CR2 (complement C3d receptor 2; plus strand). Cytogenetic location: 1q32.2.
Variant type: single nucleotide variant.
Coding change: c.3092C>T on transcript NM_001006658.3 (MANE Select); coding-DNA position 3092, C replaced by T.
Protein change: p.Ser1031Leu; replaces serine 1031 with leucine.
Molecular consequence: missense variant.
Genome position (GRCh38, 1-based): chr1:207,479,260, C>T. VCF-style: chr1-207479260-C-T. GRCh37 (hg19) VCF-style: chr1-207652605-C-T.
Other names: c.2915C>T, p.Ser972Leu (NM_001877.5); short protein forms S1031L, S972L.
Identifiers: ClinVar variation 943471 (VCV000943471.9), dbSNP rs772806588, ClinGen allele CA1369137.

ClinVar aggregate classification (germline): Uncertain significance. Review status: criteria provided, multiple submitters, no conflicts (2 of 4 stars). 2 submissions from 2 submitters: Uncertain significance (2). Last evaluated 2025-10-21.

Conditions:
Inborn genetic diseases. Identifiers: MedGen C0950123, MeSH D030342.
Immunodeficiency, common variable, 7. Identifiers: Orphanet 1572, Orphanet 696894, MedGen C3542922, MONDO:0013862, OMIM 614699.

Allele frequency attached by ClinVar (database versions not stated): gnomAD exomes 0.00001 and below 0.00001; TOPMed 0.00001; ExAC 0.00002.

Submissions (2):

Labcorp Genetics (formerly Invitae), Labcorp
Classification: Uncertain significance for Immunodeficiency, common variable, 7. Last evaluated: 2025-10-21. Review status: criteria provided, single submitter. Criteria: Invitae Variant Classification Sherloc (09022015). Collection method: clinical testing. Allele origin: germline.
Comment: This sequence change replaces serine, which is neutral and polar, with leucine, which is neutral and non-polar, at codon 1031 of the CR2 protein (p.Ser1031Leu). This variant is present in population databases (rs772806588, gnomAD 0.009%). This variant has not been reported in the literature in individuals affected with CR2-related conditions. ClinVar contains an entry for this variant (Variation ID: 943471). An algorithm developed to predict the effect of missense changes on protein structure and function (PolyPhen-2) suggests that this variant is likely to be tolerated. In summary, the available evidence is currently insufficient to determine the role of this variant in disease. Therefore, it has been classified as a Variant of Uncertain Significance.

Ambry Genetics
Classification: Uncertain significance for Inborn genetic diseases. Last evaluated: 2024-06-25. Review status: criteria provided, single submitter. Criteria: Ambry Variant Classification Scheme 2023. Collection method: clinical testing. Allele origin: germline.